The following is an entry in ClinVar:

ClinVar aggregate classification (germline): Conflicting classifications of pathogenicity. Review status: criteria provided, conflicting classifications (1 of 4 stars). 2 submissions from 2 submitters: Likely pathogenic (1); Uncertain significance (1). Last evaluated 2025-01-06.

Conditions:
PKD1L1-related disorder. Also called: PKD1L1-related condition.

Allele frequency attached by ClinVar (database versions not stated): TOPMed below 0.00001; ExAC 0.00001; gnomAD 0.00001; gnomAD exomes 0.00001.
gnomAD v4.1: 17 of 1,494,634 alleles (0.0011%); highest among the groups gnomAD compares: Middle Eastern, 0.017%; no homozygotes.

Submissions (2):

PreventionGenetics, part of Exact Sciences
Classification: Uncertain significance for PKD1L1-related condition. Last evaluated: 2025-01-06. Review status: criteria provided, single submitter. Criteria: ACMG Guidelines, 2015. Collection method: clinical testing. Allele origin: germline.
Comment: The PKD1L1 c.1061-2A>G variant is predicted to disrupt the AG splice acceptor site and interfere with normal splicing. To our knowledge, this variant has not been reported in the literature or in a large population database (gnomAD), indicating this variant is rare. Variants that disrupt the consensus splice donor site in PKD1L1 are expected to be pathogenic. However, this variant is predicted to result in an in-frame transcript. Although we suspect that this variant may be pathogenic, the clinical significance of this variant is classified as uncertain at this time due to insufficient functional and genetic evidence.

Labcorp Genetics (formerly Invitae), Labcorp
Classification: Likely pathogenic. Last evaluated: 2022-07-05. Review status: criteria provided, single submitter. Criteria: Invitae Variant Classification Sherloc (09022015). Collection method: clinical testing. Allele origin: germline.
Comment: This sequence change affects an acceptor splice site in intron 7 of the PKD1L1 gene. It is expected to disrupt RNA splicing. Variants that disrupt the donor or acceptor splice site typically lead to a loss of protein function (PMID: 16199547), and loss-of-function variants in PKD1L1 are known to be pathogenic (PMID: 27616478). The frequency data for this variant in the population databases is considered unreliable, as metrics indicate poor data quality at this position in the gnomAD database. This variant has not been reported in the literature in individuals affected with PKD1L1-related conditions. Algorithms developed to predict the effect of sequence changes on RNA splicing suggest that this variant may disrupt the consensus splice site. In summary, the currently available evidence indicates that the variant is pathogenic, but additional data are needed to prove that conclusively. Therefore, this variant has been classified as Likely Pathogenic.

Literature cited by the submitters: PubMed 16199547 (cited by Labcorp Genetics (formerly Invitae), Labcorp); PubMed 27616478 (cited by Labcorp Genetics (formerly Invitae), Labcorp).

NM_138295.5(PKD1L1):c.1061-2A>G

Gene: PKD1L1 (polycystin 1 like 1, transient receptor potential channel interacting; minus strand). Cytogenetic location: 7p12.3.
Variant type: single nucleotide variant.
Coding change: c.1061-2A>G on transcript NM_138295.5 (MANE Select); the canonical splice acceptor site of the intron before coding-DNA position 1061, A replaced by G.
Molecular consequence: splice acceptor variant.
Genome position (GRCh38, 1-based): chr7:47,915,601, T>C on the plus strand (A>G on the coding strand, the complement: PKD1L1 is on the minus strand). VCF-style: chr7-47915601-T-C. GRCh37 (hg19) VCF-style: chr7-47955198-T-C.
Other names: c.1061-2A>G (NM_138295.3).
Identifiers: ClinVar variation 2073179 (VCV002073179.2), dbSNP rs780706088, ClinGen allele CA4254159.